The following is an entry in ClinVar:

NM_016929.5(CLIC5):c.241G>T (p.Val81Leu)

Gene: CLIC5 (chloride intracellular channel 5; minus strand). Cytogenetic location: 6p21.1.
Variant type: single nucleotide variant.
Coding change: c.241G>T on transcript NM_016929.5 (MANE Select); coding-DNA position 241, G replaced by T.
Protein change: p.Val81Leu; replaces valine 81 with leucine.
Molecular consequence: missense variant.
Genome position (GRCh38, 1-based): chr6:45,949,314, C>A on the plus strand (G>T on the coding strand, the complement: CLIC5 is on the minus strand). VCF-style: chr6-45949314-C-A. GRCh37 (hg19) VCF-style: chr6-45917051-C-A.
Other names: c.718G>T, p.Val240Leu (NM_001114086.2, NM_001370650.1); c.241G>T, p.Val81Leu (NM_001256023.2); c.124G>T, p.Val42Leu (NM_001370649.1); short protein forms V81L, V240L, V42L.
Identifiers: ClinVar variation 4763072 (VCV004763072.1).
Genomic context (GRCh38, chr6:45,949,314, plus strand): 5'-ACTTTTCAGGGGTCAAGGTCTCCTCCAGGAACTCCTCGATCTTATTGACGTCTGTCTTCA[C>A]GTCCCCGTTGAAGGTCAGGAAGGGCGGGTGCGTGCCGGGGGCTAGGTTGTGCAGGTCAGC-3'
Protein context (NP_058625.2, residues 71-91): HPPFLTFNGD[Val81Leu]KTDVNKIEEF

ClinVar aggregate classification (germline): Uncertain significance (1 of 4 stars; one submission).

gnomAD v4.1: 4 of 1,613,964 alleles (0.00025%); highest among the groups gnomAD compares: Non-Finnish European, 0.00034%; no homozygotes.

Submission:

Labcorp Genetics (formerly Invitae), Labcorp
Classification: Uncertain significance. Last evaluated: 2025-07-28. Review status: criteria provided, single submitter. Criteria: Invitae Variant Classification Sherloc (09022015). Collection method: clinical testing. Allele origin: germline.
Comment: This sequence change replaces valine, which is neutral and non-polar, with leucine, which is neutral and non-polar, at codon 240 of the CLIC5 protein (p.Val240Leu). This variant is not present in population databases (gnomAD no frequency). This variant has not been reported in the literature in individuals affected with CLIC5-related conditions. An algorithm developed to predict the effect of missense changes on protein structure and function (PolyPhen-2) suggests that this variant is likely to be disruptive. In summary, the available evidence is currently insufficient to determine the role of this variant in disease. Therefore, it has been classified as a Variant of Uncertain Significance.